The following is an entry in ClinVar:

NM_000536.4(RAG2):c.539C>A (p.Pro180His)

Gene: RAG2 (recombination activating 2; minus strand). Cytogenetic location: 11p12.
Variant type: single nucleotide variant.
Coding change: c.539C>A on transcript NM_000536.4 (MANE Select); coding-DNA position 539, C replaced by A.
Protein change: p.Pro180His; replaces proline 180 with histidine.
Molecular consequence: missense variant.
Genome position (GRCh38, 1-based): chr11:36,593,630, G>T on the plus strand (C>A on the coding strand, the complement: RAG2 is on the minus strand). VCF-style: chr11-36593630-G-T. GRCh37 (hg19) VCF-style: chr11-36615180-G-T.
Other names: c.539C>A, p.Pro180His (NM_001243785.2, NM_001243786.2); short protein forms P180H.
Identifiers: ClinVar variation 418453 (VCV000418453.3), dbSNP rs1064793251, ClinGen allele CA16619320.
Genomic context (GRCh38, chr11:36,593,630, plus strand): 5'-AGTTCTGGAAGAATGTATGATGTAGCACACCCAAATTCAAAATCCACCAGGAAAACACAG[G>T]GCAGGCAGTCAGCTACACTATTCCATTTTTCTGTGGTTCTGTGGGTAGAAGGCATGTATG-3'
Protein context (NP_000527.2, residues 170-190): EKWNSVADCL[Pro180His]CVFLVDFEFG

ClinVar aggregate classification (germline): Pathogenic/Likely pathogenic. Review status: criteria provided, multiple submitters, no conflicts (2 of 4 stars). 2 submissions from 2 submitters: Pathogenic (1); Likely pathogenic (1). Last evaluated 2018-03-06.

Conditions:
Atypical severe combined immunodeficiency due to complete RAG1/2 deficiency.
Recombinase activating gene 2 deficiency. Also called: RAG2 deficiency. Identifiers: MedGen CN257931, MONDO:0000573.
Inborn error of immunity. Also called: Primary immunodeficiency; Inborn errors of immunity. Identifiers: Orphanet 101997, MedGen C0398686, MONDO:0003778.

Submissions (2):

Pediatric Immunology Service, The Chaim Sheba Medical Center at Tel HaShomer
Classification: Pathogenic for RAG2 deficiency; Primary immunodeficiency; Atypical severe combined immunodeficiency due to complete RAG1/2 deficiency. Last evaluated: 2018-03-06. Review status: criteria provided, single submitter. Criteria: ACMG Guidelines, 2015. Collection method: research. Allele origin: germline. Affected: yes.

GeneDx
Classification: Likely pathogenic. Last evaluated: 2014-01-02. Review status: criteria provided, single submitter. Criteria: GeneDx Variant Classification (06012015). Collection method: clinical testing. Allele origin: germline. Affected: yes.
Comment: A novel P180H missense change likely associated with RAG2 deficiency was identified. To our knowledge, this variant has neither been published as pathogenic, nor reported as a benign polymorphism. This missense change was not observed in approximately 6,500 individuals of European and African American ancestry in an external variant database, indicating it is not a common benign variant in these populations. P180H represents a non-conservative amino acid substitution as a non-polar Proline reside that contains a unique ring structure is replaced with a large, positively-charged Histidine residue. This substitution occurs at a position in the RAG2 protein that is highly conserved among species. Therefore, P180H is a strong candidate for a pathogenic variant; however, the possibility that it is a benign variant cannot be excluded.